The following is an entry in ClinVar:

NM_177438.3(DICER1):c.1908-2A>G

Gene: DICER1 (dicer 1, ribonuclease III; minus strand). Cytogenetic location: 14q32.13.
Variant type: single nucleotide variant.
Coding change: c.1908-2A>G on transcript NM_177438.3 (MANE Select); the canonical splice acceptor site of the intron before coding-DNA position 1908, A replaced by G.
Molecular consequence: splice acceptor variant.
Genome position (GRCh38, 1-based): chr14:95,113,226, T>C on the plus strand (A>G on the coding strand, the complement: DICER1 is on the minus strand). VCF-style: chr14-95113226-T-C. GRCh37 (hg19) VCF-style: chr14-95579563-T-C.
Other names: c.1626-2A>G (NM_001395686.1); c.1341-2A>G (NM_001395691.1); c.1908-2A>G (NM_001395684.1, NM_001395683.1, NM_001395679.1 and 12 more transcripts); c.1503-2A>G (NM_001395688.1, NM_001395696.1, NM_001395698.1 and 3 more transcripts); c.225-2A>G (NM_001395697.1).
Identifiers: ClinVar variation 4869782 (VCV004869782.1).
Genomic context (GRCh38, chr14:95,113,226, plus strand): 5'-GGGTTCTGCATTTAGGAGCTAGATGAGTAAACGGATCACTTGGTAATCTAGCACAGTATC[T>C]GTGAAGAAAAAGAAATTCTGAGGCTGAATCTACAACTGAGAAAATATTGATATTTATAAC-3'

ClinVar aggregate classification (germline): Likely pathogenic (1 of 4 stars; one submission).

Conditions:
Hereditary cancer-predisposing syndrome. Also called: Neoplastic Syndromes, Hereditary; Tumor predisposition; Hereditary Cancer Syndrome; Hereditary neoplastic syndrome. Identifiers: Orphanet 140162, MedGen C0027672, MeSH D009386, MONDO:0015356.

Submission:

Ambry Genetics
Classification: Likely pathogenic for Hereditary cancer-predisposing syndrome. Last evaluated: 2026-05-08. Review status: criteria provided, single submitter. Criteria: Ambry Variant Classification Scheme 2023. Collection method: clinical testing. Allele origin: germline.
Comment: The c.1908-2A>G intronic variant results from an A to G substitution two nucleotides upstream from coding exon 11 in the DICER1 gene. This variant has been observed in at least one individual with a personal and/or family history that is consistent with DICER1-related tumor predisposition syndrome (Ambry internal data). This variant is considered to be rare based on population cohorts in the Genome Aggregation Database (gnomAD). This nucleotide position is highly conserved in available vertebrate species. In silico splice site analysis predicts that this alteration will weaken the native splice acceptor site and may result in the creation or strengthening of a novel splice acceptor site. RNA studies have demonstrated that this variant results in abnormal splicing in the set of samples tested (Ambry internal data). Variants that disrupt the canonical splice site are expected to cause aberrant splicing, resulting in an abnormal protein or a transcript that is subject to nonsense-mediated mRNA decay. As such, this variant is classified as likely pathogenic.